The following is an entry in ClinVar:

NM_004958.4(MTOR):c.2331+4A>C

Gene: MTOR (mechanistic target of rapamycin kinase; minus strand). Cytogenetic location: 1p36.22.
Variant type: single nucleotide variant.
Coding change: c.2331+4A>C on transcript NM_004958.4 (MANE Select); 4 bases into the intron after coding-DNA position 2331, A replaced by C.
Molecular consequence: intron variant.
Genome position (GRCh38, 1-based): chr1:11,234,139, T>G on the plus strand (A>C on the coding strand, the complement: MTOR is on the minus strand). VCF-style: chr1-11234139-T-G. GRCh37 (hg19) VCF-style: chr1-11294196-T-G.
Other names: c.1083+4A>C (NM_001386501.1); c.2331+4A>C (NM_001386500.1).
Identifiers: ClinVar variation 2638227 (VCV002638227.24), dbSNP rs2523285993, ClinGen allele CA2695197960.

ClinVar aggregate classification (germline): Uncertain significance (1 of 4 stars; one submission).

Submission:

CeGaT Center for Human Genetics Tuebingen
Classification: Uncertain significance. Last evaluated: 2022-09-01. Review status: criteria provided, single submitter. Criteria: CeGaT Center For Human Genetics Tuebingen Variant Classification Criteria Version 2. Collection method: clinical testing. Allele origin: germline. Affected: yes. Observed: 1 variant allele.
Comment: MTOR: PM2, BP4